The following is an entry in ClinVar:

NM_004183.4(BEST1):c.903T>G (p.Asp301Glu)

Genes: BEST1 (bestrophin 1; plus strand), FTH1 (ferritin heavy chain 1; minus strand). Cytogenetic location: 11q12.3.
Variant type: single nucleotide variant.
Coding change: c.903T>G on transcript NM_004183.4 (MANE Select); coding-DNA position 903, T replaced by G.
Protein change: p.Asp301Glu; replaces aspartic acid 301 with glutamic acid.
Molecular consequence: missense variant. On other transcripts: non-coding transcript variant (1), intron variant (1).
Genome position (GRCh38, 1-based): chr11:61,959,533, T>G. VCF-style: chr11-61959533-T-G. GRCh37 (hg19) VCF-style: chr11-61727005-T-G.
Other names: c.-70T>G (NM_001363593.3); c.688-359T>G (NM_001300786.2); c.723T>G, p.Asp241Glu (NM_001139443.3, NM_001300787.2); c.585T>G, p.Asp195Glu (NM_001363591.3); c.1106T>G, p.Met369Arg (NM_001363592.2); short protein forms D301E, D195E, D241E, M369R.
Identifiers: ClinVar variation 99773 (VCV000099773.17), dbSNP rs281865261, ClinGen allele CA227845.
Genomic context (GRCh38, chr11:61,959,533, plus strand): 5'-TTACAGAGCCTCACCTGTCCCCAAGGTGGCAGAGCAGCTCATCAACCCCTTTGGAGAGGA[T>G]GATGATGATTTTGAGACCAACTGGATTGTCGACAGGAATTTGCAGGTATGGGGAGAGGGA-3'
Protein context (NP_004174.1, residues 291-311): AEQLINPFGE[Asp301Glu]DDDFETNWIV

ClinVar aggregate classification (germline): Pathogenic/Likely pathogenic. Review status: criteria provided, multiple submitters, no conflicts (2 of 4 stars). 6 submissions from 6 submitters: Pathogenic (4); Likely pathogenic (1). 1 of the submissions does not count toward it. Last evaluated 2026-09-22.

Conditions:
BEST1-related disorder. Also called: BEST1-related disorders; BEST1-related condition. Identifiers: MedGen CN239200.
Retinal dystrophy. Also called: Inherited retinal dystrophy. Identifiers: Orphanet 71862, MedGen C0854723, MeSH D058499, MONDO:0019118, HP:0000556.
Vitelliform macular dystrophy 2. Also called: VITELLIFORM MACULAR DYSTROPHY, EARLY-ONSET; VITELLIFORM MACULAR DYSTROPHY, JUVENILE-ONSET; Best vitelliform macular dystrophy, multifocal; Best Macular Dystrophy; MACULAR DEGENERATION, POLYMORPHIC VITELLINE; Best Vitelliform Macular Dystrophy (BVMD). Identifiers: Orphanet 1243, MedGen C2745945, MONDO:0007931, OMIM 153700.

Submissions (6):

Institute of Medical Genetics and Applied Genomics, University Hospital Tübingen
Classification: Likely pathogenic for Vitelliform macular dystrophy 2. Last evaluated: 2026-09-22. Review status: criteria provided, single submitter. Criteria: ACMG Guidelines, 2015. Collection method: clinical testing. Allele origin: germline. Inheritance: Autosomal dominant inheritance. Affected: yes.

Labcorp Genetics (formerly Invitae), Labcorp
Classification: Pathogenic. Last evaluated: 2025-12-15. Review status: criteria provided, single submitter. Criteria: Invitae Variant Classification Sherloc (09022015). Collection method: clinical testing. Allele origin: germline.
Comment: This sequence change replaces aspartic acid, which is acidic and polar, with glutamic acid, which is acidic and polar, at codon 301 of the BEST1 protein (p.Asp301Glu). This variant is not present in population databases (gnomAD no frequency). This missense change has been observed in individuals with autosomal dominant Best vitelliform macular dystrophy (PMID: 10331951, 18844018, 29115605). It has also been observed to segregate with disease in related individuals. ClinVar contains an entry for this variant (Variation ID: 99773). Invitae Evidence Modeling of protein sequence and biophysical properties (such as structural, functional, and spatial information, amino acid conservation, physicochemical variation, residue mobility, and thermodynamic stability) indicates that this missense variant is expected to disrupt BEST1 protein function with a positive predictive value of 95%. Experimental studies have shown that this missense change affects BEST1 function (PMID: 11904445). For these reasons, this variant has been classified as Pathogenic.

Blueprint Genetics
Classification: Pathogenic for BEST1-related disorders. Last evaluated: 2024-10-09. Review status: criteria provided, single submitter. Criteria: ACMG Guidelines, 2015. Collection method: clinical testing. Allele origin: germline. Affected: yes. Observed: 5 variant alleles.

Institute of Human Genetics, Univ. Regensburg, Univ. Regensburg
Classification: Pathogenic for Retinal dystrophy. Last evaluated: 2023-01-01. Review status: criteria provided, single submitter. Criteria: ACMG Guidelines, 2015. Collection method: clinical testing. Allele origin: germline. Affected: yes.

GeneDx
Classification: Pathogenic. Last evaluated: 2020-07-13. Review status: criteria provided, single submitter. Criteria: GeneDx Variant Classification Process June 2021. Collection method: clinical testing. Allele origin: germline. Affected: yes.
Comment: Published functional studies demonstrate a damaging effect with disrupted interaction between the protein's N and C termini, which leads to anion channel dysfunction (Qu et al., 2009); Identified in individuals with autosomal dominant Best vitelliform macular dystrophy in published literature (Caldwell et al., 1999; Kramer et al., 2000; Frecer et al., 2019); Not observed in large population cohorts (Lek et al., 2016); In silico analysis, which includes protein predictors and evolutionary conservation, supports a deleterious effect; This variant is associated with the following publications: (PMID: 29115605, 19372599, 18844018, 10331951, 10854112, 29555955, 31570112, 31519547)

Retina International
No classification provided. Review status: no classification provided. Collection method: not provided. Allele origin: not provided. Not counted in ClinVar's aggregate classification.

Literature cited by the submitters: PubMed 10331951 (cited by Labcorp Genetics (formerly Invitae), Labcorp and Institute of Human Genetics, Univ. Regensburg, Univ. Regensburg); PubMed 18844018 (cited by Labcorp Genetics (formerly Invitae), Labcorp and Institute of Human Genetics, Univ. Regensburg, Univ. Regensburg); PubMed 29115605 (cited by Labcorp Genetics (formerly Invitae), Labcorp and Institute of Human Genetics, Univ. Regensburg, Univ. Regensburg); PubMed 11904445 (cited by Labcorp Genetics (formerly Invitae), Labcorp); PubMed 29555955 (cited by Institute of Human Genetics, Univ. Regensburg, Univ. Regensburg); PubMed 31570112 (cited by Institute of Human Genetics, Univ. Regensburg, Univ. Regensburg); PubMed 31519547 (cited by Institute of Human Genetics, Univ. Regensburg, Univ. Regensburg); PubMed 34001763 (cited by Institute of Human Genetics, Univ. Regensburg, Univ. Regensburg); PubMed 35973442 (cited by Institute of Human Genetics, Univ. Regensburg, Univ. Regensburg).